The following is an entry in ClinVar:

ClinVar aggregate classification (germline): Pathogenic/Likely pathogenic. Review status: criteria provided, multiple submitters, no conflicts (2 of 4 stars). 3 submissions from 3 submitters: Pathogenic (2); Likely pathogenic (1). Last evaluated 2024-03-07.

Conditions:
Neurofibromatosis, type 1 (NF1). Also called: Neurofibromatosis, type I; NEUROFIBROMATOSIS, TYPE I, SOMATIC; Peripheral type neurofibromatosis; VON RECKLINGHAUSEN DISEASE. Identifiers: Orphanet 636, MedGen C0027831, MONDO:0018975, OMIM 162200. Disease mechanism: loss of function.

Submissions (3):

Labcorp Genetics (formerly Invitae), Labcorp
Classification: Pathogenic for Neurofibromatosis, type 1. Last evaluated: 2024-03-07. Review status: criteria provided, single submitter. Criteria: Invitae Variant Classification Sherloc (09022015). Collection method: clinical testing. Allele origin: germline.
Comment: This sequence change creates a premature translational stop signal (p.Tyr2619*) in the NF1 gene. It is expected to result in an absent or disrupted protein product. Loss-of-function variants in NF1 are known to be pathogenic (PMID: 10712197, 23913538). This variant is not present in population databases (gnomAD no frequency). This variant has not been reported in the literature in individuals affected with NF1-related conditions. ClinVar contains an entry for this variant (Variation ID: 404544). For these reasons, this variant has been classified as Pathogenic.

Genome-Nilou Lab
Classification: Pathogenic for Neurofibromatosis, type 1. Last evaluated: 2022-03-15. Review status: criteria provided, single submitter. Criteria: ACMG Guidelines, 2015. Collection method: clinical testing. Allele origin: germline. Affected: no.

Greenwood Genetic Center Diagnostic Laboratories, Greenwood Genetic Center
Classification: Likely pathogenic for Neurofibromatosis, type 1. Last evaluated: 2021-08-05. Review status: criteria provided, single submitter. Criteria: ACMG Guidelines, 2015. Collection method: clinical testing. Allele origin: germline. Affected: yes.
Comment: PVS1, PM2

Literature cited by the submitters: PubMed 10712197 (cited by Labcorp Genetics (formerly Invitae), Labcorp); PubMed 23913538 (cited by Labcorp Genetics (formerly Invitae), Labcorp).

NM_001042492.3(NF1):c.7920T>G (p.Tyr2640Ter)

Gene: NF1 (neurofibromin 1; plus strand). Cytogenetic location: 17q11.2.
Variant type: single nucleotide variant.
Coding change: c.7920T>G on transcript NM_001042492.3 (MANE Select); coding-DNA position 7920, T replaced by G.
Protein change: p.Tyr2640Ter; replaces tyrosine 2640 with a stop codon.
Molecular consequence: nonsense.
Genome position (GRCh38, 1-based): chr17:31,357,319, T>G. VCF-style: chr17-31357319-T-G. GRCh37 (hg19) VCF-style: chr17-29684337-T-G.
Other names: c.7857T>G, p.Tyr2619Ter (NM_000267.4); short protein forms Y2619*, Y2640*.
Identifiers: ClinVar variation 404544 (VCV000404544.11), dbSNP rs1060500333, ClinGen allele CA16615330.